The following is an entry in ClinVar:

ClinVar aggregate classification (germline): Uncertain significance. Review status: criteria provided, multiple submitters, no conflicts (2 of 4 stars). 2 submissions from 2 submitters: Uncertain significance (2). Last evaluated 2023-10-02.

Conditions:
Cardiovascular phenotype. Identifiers: MedGen CN230736.

Allele frequency attached by ClinVar (database versions not stated): TOPMed below 0.00001.
gnomAD v4.1: 2 of 1,220,514 alleles (0.00016%); highest among the groups gnomAD compares: Non-Finnish European, 0.0001%; no homozygotes.

Submissions (2):

Ambry Genetics
Classification: Uncertain significance for Cardiovascular phenotype. Last evaluated: 2023-10-02. Review status: criteria provided, single submitter. Criteria: Ambry Variant Classification Scheme 2023. Collection method: clinical testing. Allele origin: germline.
Comment: The p.R177S variant (also known as c.531G>C), located in coding exon 1 of the ALPK3 gene, results from a G to C substitution at nucleotide position 531. The arginine at codon 177 is replaced by serine, an amino acid with dissimilar properties. This amino acid position is well conserved in available vertebrate species. In addition, this alteration is predicted to be tolerated by in silico analysis. Since supporting evidence is limited at this time, the clinical significance of this alteration remains unclear.

Labcorp Genetics (formerly Invitae), Labcorp
Classification: Uncertain significance. Last evaluated: 2023-07-25. Review status: criteria provided, single submitter. Criteria: Invitae Variant Classification Sherloc (09022015). Collection method: clinical testing. Allele origin: germline.
Comment: This sequence change replaces arginine, which is basic and polar, with serine, which is neutral and polar, at codon 177 of the ALPK3 protein (p.Arg177Ser). This variant is not present in population databases (gnomAD no frequency). This variant has not been reported in the literature in individuals affected with ALPK3-related conditions. ClinVar contains an entry for this variant (Variation ID: 1925226). An algorithm developed to predict the effect of missense changes on protein structure and function (PolyPhen-2) suggests that this variant is likely to be tolerated. In summary, the available evidence is currently insufficient to determine the role of this variant in disease. Therefore, it has been classified as a Variant of Uncertain Significance.

NM_020778.5(ALPK3):c.-76G>C

Gene: ALPK3 (alpha kinase 3; plus strand). Cytogenetic location: 15q25.3.
Variant type: single nucleotide variant.
Coding change: c.-76G>C on transcript NM_020778.5 (MANE Select); 76 bases upstream of the start codon, G replaced by C.
Molecular consequence: 5 prime UTR variant.
Genome position (GRCh38, 1-based): chr15:84,817,377, G>C. VCF-style: chr15-84817377-G-C. GRCh37 (hg19) VCF-style: chr15-85360608-G-C.
Other names: c.531G>C (NM_020778.4).
Identifiers: ClinVar variation 1925226 (VCV001925226.6), dbSNP rs1459590993, ClinGen allele CA393369100.